The following is an entry in ClinVar:

NM_032043.3(BRIP1):c.2350del (p.Ile784fs)

Gene: BRIP1 (BRCA1 interacting DNA helicase 1; minus strand). Cytogenetic location: 17q23.2.
Variant type: Deletion.
Coding change: c.2350del on transcript NM_032043.3 (MANE Select); coding-DNA position 2350, one base deleted (A; older notation c.2350delA).
Protein change: p.Ile784fs; shifts the reading frame from isoleucine 784.
Molecular consequence: frameshift variant.
Genome position (GRCh38, 1-based): chr17:61,743,042, T deleted on the plus strand (A on the coding strand, the reverse complement: BRIP1 is on the minus strand); the first of 2 consecutive T bases (chr17:61,743,042-61,743,043); deleting either gives the same sequence. VCF-style (leftmost placement, unchanged base first): chr17-61743041-AT-A. GRCh37 (hg19) VCF-style: chr17-59820402-AT-A.
Other names: short protein forms I784fs.
Identifiers: ClinVar variation 2583482 (VCV002583482.2), dbSNP rs2544826042, ClinGen allele CA2582342205.

ClinVar aggregate classification (germline): Pathogenic (1 of 4 stars; one submission).

Conditions:
Familial cancer of breast. Also called: Hereditary breast cancer; BREAST CANCER, FAMILIAL; hereditary breast carcinoma. Identifiers: Orphanet 227535, MedGen C0346153, MONDO:0016419, OMIM 114480. Disease mechanism: loss of function.

Submission:

Myriad Genetics, Inc.
Classification: Pathogenic for Familial cancer of breast. Last evaluated: 2023-06-06. Review status: criteria provided, single submitter. Criteria: Myriad Autosomal Dominant, Autosomal Recessive and X-Linked Classification Criteria (2023). Collection method: clinical testing. Allele origin: unknown.
Comment: This variant is considered pathogenic. This variant creates a frameshift predicted to result in premature protein truncation.